The following is an entry in ClinVar:

NM_016343.4(CENPF):c.2983C>T (p.Gln995Ter)

Gene: CENPF (centromere protein F; plus strand). Cytogenetic location: 1q41.
Variant type: single nucleotide variant.
Coding change: c.2983C>T on transcript NM_016343.4 (MANE Select); coding-DNA position 2983, C replaced by T.
Protein change: p.Gln995Ter; replaces glutamine 995 with a stop codon.
Molecular consequence: nonsense.
Genome position (GRCh38, 1-based): chr1:214,641,321, C>T. VCF-style: chr1-214641321-C-T. GRCh37 (hg19) VCF-style: chr1-214814664-C-T.
Other names: short protein forms Q995*.
Identifiers: ClinVar variation 2664902 (VCV002664902.1), dbSNP rs1658106325, ClinGen allele CA344824137.

ClinVar aggregate classification (germline): Likely pathogenic (1 of 4 stars; one submission).

Conditions:
Stromme syndrome (STROMS). Also called: APPLE PEEL SYNDROME WITH MICROCEPHALY AND OCULAR ANOMALIES; Strømme Syndrome; Ciliary dyskinesia, primary, 31. Identifiers: Orphanet 444069, Orphanet 506307, MedGen C1855705, MONDO:0009477, OMIM 243605.

Allele frequency attached by ClinVar (database versions not stated): TOPMed below 0.00001; gnomAD exomes below 0.00001.
gnomAD v4.1: 1 of 1,611,208 alleles (0.000062%); highest among the groups gnomAD compares: East Asian, 0.0022%; no homozygotes.

Submission:

Neuberg Centre For Genomic Medicine, NCGM
Classification: Likely pathogenic for Stromme syndrome. Last evaluated: 2023-02-14. Review status: criteria provided, single submitter. Criteria: ACMG Guidelines, 2015. Collection method: clinical testing. Allele origin: germline. Inheritance: Autosomal recessive inheritance. Affected: yes.
Comment: The stop gained variant c.2983C>T (p.Gln995Ter) in the CENPF gene has not been reported previously as a pathogenic variant nor as a benign variant, to our knowledge. The variant is novel (not in any individuals) in gnomAD Exomes and 1000 Genomes. This variant is predicted to cause loss of normal protein function through protein truncation. Loss of function variants has been previously reported to be disease causing (Waters et al., 2015). For these reasons, this variant has been classified as Likely Pathogenic.